The following is an entry in ClinVar:

ClinVar aggregate classification (germline): Likely pathogenic (1 of 4 stars; one submission).

Conditions:
UV-sensitive syndrome 3 (UVSS3). Identifiers: Orphanet 178338, MedGen C3553328, MONDO:0013834, OMIM 614640.

Submission:

First Genomix Gene Laboratory, Genetic Diagnostics Department
Classification: Likely pathogenic for UV-sensitive syndrome 3. Last evaluated: 2025-09-24. Review status: criteria provided, single submitter. Criteria: ACMG Guidelines, 2015. Collection method: clinical testing. Allele origin: germline. Inheritance: Autosomal recessive inheritance. Affected: no. Observed: 1 variant allele.

NM_020894.4(UVSSA):c.1752+1G>A

Gene: UVSSA (UV stimulated scaffold protein A; plus strand). Cytogenetic location: 4p16.3.
Variant type: single nucleotide variant.
Coding change: c.1752+1G>A on transcript NM_020894.4 (MANE Select); the canonical splice donor site of the intron after coding-DNA position 1752, G replaced by A.
Molecular consequence: splice donor variant.
Genome position (GRCh38, 1-based): chr4:1,380,231, G>A. VCF-style: chr4-1380231-G-A. GRCh37 (hg19) VCF-style: chr4-1374019-G-A.
Other names: c.1752+1G>A (NM_001317935.2, NM_001317934.2).
Identifiers: ClinVar variation 4850449 (VCV004850449.1).